The following is an entry in ClinVar:

ClinVar aggregate classification (germline): Likely benign. Review status: criteria provided, single submitter (1 of 4 stars). 2 submissions from 2 submitters: Likely benign (1). 1 of the submissions does not count toward it. Last evaluated 2017-06-15.

Conditions:
Inborn genetic diseases. Identifiers: MedGen C0950123, MeSH D030342.
SMS-related disorder. Also called: SMS-related condition.

Allele frequency attached by ClinVar (database versions not stated): gnomAD exomes 0.00007; ExAC 0.00009; gnomAD 0.00009; TOPMed 0.00010; ESP Exome Variant Server 0.00028; 1000 Genomes Project 30x 0.00042; 1000 Genomes Project 0.00053.
gnomAD v4.1: 77 of 1,140,466 alleles (0.0068%); highest among the groups gnomAD compares: African/African-American, 0.027%; no homozygotes.

Submissions (2):

Ambry Genetics
Classification: Likely benign for Inborn genetic diseases. Last evaluated: 2017-06-15. Review status: criteria provided, single submitter. Criteria: Ambry Variant Classification Scheme 2023. Collection method: clinical testing. Allele origin: germline.

PreventionGenetics, part of Exact Sciences
Classification: Likely benign for SMS-related condition. Last evaluated: 2024-09-23. Review status: no assertion criteria provided. Collection method: clinical testing. Allele origin: germline. Not counted in ClinVar's aggregate classification.
Comment: This variant is classified as likely benign based on ACMG/AMP sequence variant interpretation guidelines (Richards et al. 2015 PMID: 25741868, with internal and published modifications).

NM_004595.5(SMS):c.852G>A (p.Thr284=)

Gene: SMS (spermine synthase; plus strand). Cytogenetic location: Xp22.11.
Variant type: single nucleotide variant.
Coding change: c.852G>A on transcript NM_004595.5 (MANE Select); coding-DNA position 852, G replaced by A.
Protein change: p.Thr284=; no amino-acid change (threonine 284 retained).
Molecular consequence: synonymous variant.
Genome position (GRCh38, 1-based): chrX:21,984,405, G>A. VCF-style: chrX-21984405-G-A. GRCh37 (hg19) VCF-style: chrX-22002523-G-A.
Other names: c.693G>A, p.Thr231= (NM_001258423.2); c.852G>A (NM_004595.4).
Identifiers: ClinVar variation 1763752 (VCV001763752.3), dbSNP rs148441444, ClinGen allele CA10367866.
Genomic context (GRCh38, chrX:21,984,405, plus strand): 5'-CAAAGAAGGGAGAGAATTTGATTATGTGATTAATGATTTGACAGCTGTTCCAATCTCCAC[G>A]TCTCCAGAAGAAGGTAGATTTTTTTAACCAAGATATTTATGATGGAAATGTTTCTCTTGG-3'
Protein context (NP_004586.2, residues 274-294): INDLTAVPIS[Thr284=]SPEEDSTWEF